The following is an entry in ClinVar:

ClinVar aggregate classification (germline): Uncertain significance (1 of 4 stars; one submission).

Conditions:
Thrombophilia, X-linked, due to factor 9 defect. Identifiers: MedGen C2749016, MONDO:0010432, OMIM 300807.
Hereditary factor IX deficiency disease (HEMB). Also called: Christmas Disease; F9 DEFICIENCY; FACTOR IX DEFICIENCY; PLASMA THROMBOPLASTIN COMPONENT DEFICIENCY; Hemophilia B. Identifiers: Orphanet 98879, MedGen C0008533, MeSH D002836, MONDO:0010604, OMIM 306900.

Submission:

Labcorp Genetics (formerly Invitae), Labcorp
Classification: Uncertain significance for Thrombophilia, X-linked, due to factor 9 defect; Hereditary factor IX deficiency disease. Last evaluated: 2021-07-29. Review status: criteria provided, single submitter. Criteria: Invitae Variant Classification Sherloc (09022015). Collection method: clinical testing. Allele origin: germline.
Comment: This variant is not present in population databases (ExAC no frequency). This sequence change replaces glutamic acid with glycine at codon 61 of the F9 protein (p.Glu61Gly). The glutamic acid residue is highly conserved and there is a moderate physicochemical difference between glutamic acid and glycine. This variant has not been reported in the literature in individuals affected with F9-related conditions. In summary, the available evidence is currently insufficient to determine the role of this variant in disease. Therefore, it has been classified as a Variant of Uncertain Significance. Advanced modeling of protein sequence and biophysical properties (such as structural, functional, and spatial information, amino acid conservation, physicochemical variation, residue mobility, and thermodynamic stability) performed at Invitae indicates that this missense variant is expected to disrupt F9 protein function.

NM_000133.4(F9):c.182A>G (p.Glu61Gly)

Gene: F9 (coagulation factor IX; plus strand). Cytogenetic location: Xq27.1.
Variant type: single nucleotide variant.
Coding change: c.182A>G on transcript NM_000133.4 (MANE Select); coding-DNA position 182, A replaced by G.
Protein change: p.Glu61Gly; replaces glutamic acid 61 with glycine.
Molecular consequence: missense variant.
Genome position (GRCh38, 1-based): chrX:139,537,103, A>G. VCF-style: chrX-139537103-A-G. GRCh37 (hg19) VCF-style: chrX-138619262-A-G.
Other names: c.182A>G, p.Glu61Gly (NM_001313913.2); short protein forms E61G.
Identifiers: ClinVar variation 1513343 (VCV001513343.6), dbSNP rs2148356134, ClinGen allele CA414435890.